The following is an entry in ClinVar:

ClinVar aggregate classification (germline): Uncertain significance (1 of 4 stars; one submission).

Submission:

CeGaT Center for Human Genetics Tuebingen
Classification: Uncertain significance. Last evaluated: 2025-07-01. Review status: criteria provided, single submitter. Criteria: CeGaT Center For Human Genetics Tuebingen Variant Classification Criteria Version 2. Collection method: clinical testing. Allele origin: germline. Affected: yes. Observed: 1 variant allele.
Comment: TTN: PM2

NM_001267550.2(TTN):c.19754C>A (p.Ala6585Asp)

Genes: TTN (titin; minus strand), LOC126806429 (BRD4-independent group 4 enhancer GRCh37_chr2:179591393-179592592; plus strand). Cytogenetic location: 2q31.2.
Variant type: single nucleotide variant.
Coding change: c.19754C>A on transcript NM_001267550.2 (MANE Select); coding-DNA position 19754, C replaced by A.
Protein change: p.Ala6585Asp; replaces alanine 6585 with aspartic acid.
Molecular consequence: missense variant. On other transcripts: intron variant (3).
Genome position (GRCh38, 1-based): chr2:178,727,824, G>T on the plus strand (C>A on the coding strand, the complement: TTN is on the minus strand). VCF-style: chr2-178727824-G-T. GRCh37 (hg19) VCF-style: chr2-179592551-G-T.
Other names: c.18803C>A, p.Ala6268Asp (NM_001256850.1); c.16022C>A, p.Ala5341Asp (NM_133378.4); c.13282+10258C>A (NM_003319.4); c.13858+10258C>A (NM_133437.4); c.13657+10258C>A (NM_133432.3); short protein forms A5341D, A6268D, A6585D.
Identifiers: ClinVar variation 4085388 (VCV004085388.8).